The following is an entry in ClinVar:

NM_138694.4(PKHD1):c.9837C>T (p.Thr3279=)

Gene: PKHD1 (PKHD1 ciliary IPT domain containing fibrocystin/polyductin; minus strand). Cytogenetic location: 6p12.3.
Variant type: single nucleotide variant.
Coding change: c.9837C>T on transcript NM_138694.4 (MANE Select); coding-DNA position 9837, C replaced by T.
Protein change: p.Thr3279=; no amino-acid change (threonine 3279 retained).
Molecular consequence: synonymous variant.
Genome position (GRCh38, 1-based): chr6:51,746,882, G>A on the plus strand (C>T on the coding strand, the complement: PKHD1 is on the minus strand). VCF-style: chr6-51746882-G-A. GRCh37 (hg19) VCF-style: chr6-51611680-G-A.
Other names: c.9837C>T, p.Thr3279= (NM_170724.3); c.9837C>T (NM_138694.3).
Identifiers: ClinVar variation 1648557 (VCV001648557.10), dbSNP rs763551387, ClinGen allele CA3851305.
Genomic context (GRCh38, chr6:51,746,882, plus strand): 5'-ATTTGGTAGAATGCAGACATCCAGGTCATCGCTATAGCAACTCTTCACAAAACTAGAAAA[G>A]GTAACATCTGAAATTTTAAAAATATGTATCATAATATTATATCATATAAACCACCAGCCA-3'
Protein context (NP_619639.3, residues 3269-3289): ISGIMKLQDV[Thr3279=]FSSFVKSCYS

ClinVar aggregate classification (germline): Likely benign. Review status: criteria provided, single submitter (1 of 4 stars). 2 submissions from 2 submitters: Likely benign (1). 1 of the submissions does not count toward it. Last evaluated 2024-02-01.

Conditions:
PKHD1-related disorder. Also called: PKHD1-related condition.
Autosomal recessive polycystic kidney disease (ARPKD). Also called: AR polycystic kidney disease. Identifiers: Orphanet 731, Orphanet 8378, MedGen C0085548, MeSH D017044, MONDO:0009889.

Allele frequency attached by ClinVar (database versions not stated): TOPMed below 0.00001; gnomAD exomes 0.00001; ExAC 0.00002.
gnomAD v4.1: 9 of 1,592,586 alleles (0.00057%); highest among the groups gnomAD compares: Admixed American, 0.0017%; no homozygotes.

Submissions (2):

Labcorp Genetics (formerly Invitae), Labcorp
Classification: Likely benign for Autosomal recessive polycystic kidney disease. Last evaluated: 2024-02-01. Review status: criteria provided, single submitter. Criteria: Invitae Variant Classification Sherloc (09022015). Collection method: clinical testing. Allele origin: germline.

PreventionGenetics, part of Exact Sciences
Classification: Likely benign for PKHD1-related condition. Last evaluated: 2024-02-22. Review status: no assertion criteria provided. Collection method: clinical testing. Allele origin: germline. Not counted in ClinVar's aggregate classification.
Comment: This variant is classified as likely benign based on ACMG/AMP sequence variant interpretation guidelines (Richards et al. 2015 PMID: 25741868, with internal and published modifications).